The following is an entry in ClinVar:

NM_001267550.2(TTN):c.38381-8C>G

Gene: TTN (titin; minus strand). Cytogenetic location: 2q31.2.
Variant type: single nucleotide variant.
Coding change: c.38381-8C>G on transcript NM_001267550.2 (MANE Select); 8 bases into the intron before coding-DNA position 38381, C replaced by G.
Molecular consequence: intron variant.
Genome position (GRCh38, 1-based): chr2:178,654,103, G>C on the plus strand (C>G on the coding strand, the complement: TTN is on the minus strand). VCF-style: chr2-178654103-G-C. GRCh37 (hg19) VCF-style: chr2-179518830-G-C.
Other names: c.13283-11786C>G (NM_003319.4); c.13859-11786C>G (NM_133437.4); c.13658-11786C>G (NM_133432.3); c.31742-1562C>G (NM_133378.4); c.34523-1562C>G (NM_001256850.1).
Identifiers: ClinVar variation 3025456 (VCV003025456.23), dbSNP rs761212068, ClinGen allele CA1997135.

ClinVar aggregate classification (germline): Likely benign. Review status: criteria provided, multiple submitters, no conflicts (2 of 4 stars). 2 submissions from 2 submitters: Likely benign (2). Last evaluated 2025-04-09.

Allele frequency attached by ClinVar (database versions not stated): TOPMed 0.00003; ExAC 0.00004; gnomAD 0.00004.
gnomAD v4.1: 59 of 1,593,628 alleles (0.0037%); highest among the groups gnomAD compares: Non-Finnish European, 0.0048%; no homozygotes.

Submissions (2):

Molecular Diagnostic Laboratory for Inherited Cardiovascular Disease, Montreal Heart Institute
Classification: Likely benign. Last evaluated: 2025-04-09. Review status: criteria provided, single submitter. Criteria: ACMG Guidelines, 2015. Collection method: clinical testing. Allele origin: germline. Affected: no.

CeGaT Center for Human Genetics Tuebingen
Classification: Likely benign. Last evaluated: 2024-01-01. Review status: criteria provided, single submitter. Criteria: CeGaT Center For Human Genetics Tuebingen Variant Classification Criteria Version 2. Collection method: clinical testing. Allele origin: germline. Affected: yes. Observed: 1 variant allele.
Comment: TTN: BP4